The following is an entry in ClinVar:

NM_025114.4(CEP290):c.718A>T (p.Arg240Ter)

Gene: CEP290 (centrosomal protein 290; minus strand). Cytogenetic location: 12q21.32.
Variant type: single nucleotide variant.
Coding change: c.718A>T on transcript NM_025114.4 (MANE Select); coding-DNA position 718, A replaced by T.
Protein change: p.Arg240Ter; replaces arginine 240 with a stop codon.
Molecular consequence: nonsense.
Genome position (GRCh38, 1-based): chr12:88,129,828, T>A on the plus strand (A>T on the coding strand, the complement: CEP290 is on the minus strand). VCF-style: chr12-88129828-T-A. GRCh37 (hg19) VCF-style: chr12-88523605-T-A.
Other names: short protein forms R240*.
Identifiers: ClinVar variation 2949864 (VCV002949864.4), dbSNP rs2501474958, ClinGen allele CA385985675.

ClinVar aggregate classification (germline): Pathogenic. Review status: criteria provided, multiple submitters, no conflicts (2 of 4 stars). 2 submissions from 2 submitters: Pathogenic (2). Last evaluated 2024-08-20.

Conditions:
Meckel-Gruber syndrome. Also called: DYSENCEPHALIA SPLANCHNOCYSTICA; GRUBER SYNDROME; Dysencephalia splachnocystica. Identifiers: Orphanet 564, MedGen C0265215, MONDO:0018921.
Joubert syndrome. Also called: JOUBERT-BOLTSHAUSER SYNDROME; Familial aplasia of the vermis. Identifiers: Orphanet 475, MedGen C5979921, MONDO:0018772.
Nephronophthisis. Also called: Juvenile Nephronophthisis. Identifiers: Orphanet 655, MedGen C0687120, MONDO:0019005, HP:0000090.
CEP290-related ciliopathy. Also called: CEP290 ciliopathy. Identifiers: MedGen CN305601, MONDO:0100451.

Submissions (2):

Myriad Genetics, Inc.
Classification: Pathogenic for CEP290-related ciliopathy. Last evaluated: 2024-08-20. Review status: criteria provided, single submitter. Criteria: Myriad Autosomal Dominant, Autosomal Recessive and X-Linked Classification Criteria (2023). Collection method: clinical testing. Allele origin: unknown.
Comment: NM_025114.3(CEP290):c.718A>T(R240*) is expected to be pathogenic in the context of CEP290-related disorders. This variant is predicted to lead to an abnormal or absent protein product due to the creation of a premature termination codon in CEP290, a gene where loss-of-function variants are known to be pathogenic. Please note: this variant was assessed in the context of healthy population screening.

Labcorp Genetics (formerly Invitae), Labcorp
Classification: Pathogenic for Joubert syndrome; Meckel-Gruber syndrome; Nephronophthisis. Last evaluated: 2023-07-14. Review status: criteria provided, single submitter. Criteria: Invitae Variant Classification Sherloc (09022015). Collection method: clinical testing. Allele origin: germline.
Comment: For these reasons, this variant has been classified as Pathogenic. This variant has not been reported in the literature in individuals affected with CEP290-related conditions. This variant is not present in population databases (gnomAD no frequency). This sequence change creates a premature translational stop signal (p.Arg240*) in the CEP290 gene. It is expected to result in an absent or disrupted protein product. Loss-of-function variants in CEP290 are known to be pathogenic (PMID: 16909394, 17345604, 20690115).

Literature cited by the submitters: PubMed 16909394 (cited by Labcorp Genetics (formerly Invitae), Labcorp); PubMed 17345604 (cited by Labcorp Genetics (formerly Invitae), Labcorp); PubMed 20690115 (cited by Labcorp Genetics (formerly Invitae), Labcorp).